The following is an entry in ClinVar:

ClinVar aggregate classification (germline): Likely benign. Review status: criteria provided, multiple submitters, no conflicts (2 of 4 stars). 2 submissions from 2 submitters: Likely benign (2). Last evaluated 2025-03-19.

Conditions:
Juvenile polyposis syndrome (JPS). Identifiers: Orphanet 2929, MedGen C0345893, MONDO:0017380, OMIM 174900.
Juvenile polyposis/hereditary hemorrhagic telangiectasia syndrome (JPHT). Also called: Juvenile Polyposis Syndrome / Hereditary Hemorrhagic Telangiectasia (JPS/HHT); JP/HHT SYNDROME; JUVENILE POLYPOSIS WITH HEREDITARY HEMORRHAGIC TELANGIECTASIA; POLYPOSIS, GENERALIZED JUVENILE, WITH PULMONARY ARTERIOVENOUS MALFORMATION; TELANGIECTASIA, HEREDITARY HEMORRHAGIC, WITH JUVENILE POLYPOSIS COLI. Identifiers: Orphanet 2929, MedGen C1832942, MONDO:0008278, OMIM 175050.

Allele frequency attached by ClinVar (database versions not stated): TOPMed below 0.00001.

Submissions (2):

Myriad Genetics, Inc.
Classification: Likely benign for Juvenile polyposis/hereditary hemorrhagic telangiectasia syndrome. Last evaluated: 2025-03-19. Review status: criteria provided, single submitter. Criteria: Myriad Autosomal Dominant, Autosomal Recessive and X-Linked Classification Criteria (2023). Collection method: clinical testing. Allele origin: unknown.
Comment: This variant is considered likely benign. This variant is intronic and is not expected to impact mRNA splicing.

Labcorp Genetics (formerly Invitae), Labcorp
Classification: Likely benign for Juvenile polyposis syndrome. Last evaluated: 2024-05-15. Review status: criteria provided, single submitter. Criteria: Invitae Variant Classification Sherloc (09022015). Collection method: clinical testing. Allele origin: germline.

NM_005359.6(SMAD4):c.455-16T>C

Gene: SMAD4 (SMAD family member 4; plus strand). Cytogenetic location: 18q21.2.
Variant type: single nucleotide variant.
Coding change: c.455-16T>C on transcript NM_005359.6 (MANE Select); 16 bases into the intron before coding-DNA position 455, T replaced by C.
Molecular consequence: intron variant.
Genome position (GRCh38, 1-based): chr18:51,054,765, T>C. VCF-style: chr18-51054765-T-C. GRCh37 (hg19) VCF-style: chr18-48581135-T-C.
Identifiers: ClinVar variation 1621009 (VCV001621009.9), dbSNP rs1909793982, ClinGen allele CA2302975484.